The following is an entry in ClinVar:

NM_001122769.3(LCA5):c.1063G>A (p.Glu355Lys)

Gene: LCA5 (lebercilin LCA5; minus strand). Cytogenetic location: 6q14.1.
Variant type: single nucleotide variant.
Coding change: c.1063G>A on transcript NM_001122769.3 (MANE Select); coding-DNA position 1063, G replaced by A.
Protein change: p.Glu355Lys; replaces glutamic acid 355 with lysine.
Molecular consequence: missense variant.
Genome position (GRCh38, 1-based): chr6:79,491,623, C>T on the plus strand (G>A on the coding strand, the complement: LCA5 is on the minus strand). VCF-style: chr6-79491623-C-T. GRCh37 (hg19) VCF-style: chr6-80201340-C-T.
Other names: c.1063G>A, p.Glu355Lys (NM_181714.4); short protein forms E355K.
Identifiers: ClinVar variation 1353590 (VCV001353590.6), dbSNP rs534689871, ClinGen allele CA3900951.

ClinVar aggregate classification (germline): Uncertain significance (1 of 4 stars; one submission).

Allele frequency attached by ClinVar (database versions not stated): gnomAD exomes 0.00001 and 0.00002; ExAC 0.00002; gnomAD 0.00002 and 0.00003; TOPMed 0.00002; 1000 Genomes Project 30x 0.00016; 1000 Genomes Project 0.00020.

Submission:

Labcorp Genetics (formerly Invitae), Labcorp
Classification: Uncertain significance. Last evaluated: 2025-02-10. Review status: criteria provided, single submitter. Criteria: Invitae Variant Classification Sherloc (09022015). Collection method: clinical testing. Allele origin: germline.
Comment: This sequence change replaces glutamic acid, which is acidic and polar, with lysine, which is basic and polar, at codon 355 of the LCA5 protein (p.Glu355Lys). This variant is present in population databases (rs534689871, gnomAD 0.01%). This variant has not been reported in the literature in individuals affected with LCA5-related conditions. ClinVar contains an entry for this variant (Variation ID: 1353590). Invitae Evidence Modeling of protein sequence and biophysical properties (such as structural, functional, and spatial information, amino acid conservation, physicochemical variation, residue mobility, and thermodynamic stability) indicates that this missense variant is not expected to disrupt LCA5 protein function with a negative predictive value of 80%. In summary, the available evidence is currently insufficient to determine the role of this variant in disease. Therefore, it has been classified as a Variant of Uncertain Significance.